The following is an entry in ClinVar:

ClinVar aggregate classification (germline): Uncertain significance (1 of 4 stars; one submission).

Conditions:
Combined oxidative phosphorylation defect type 27. Also called: Combined oxidative phosphorylation deficiency 27. Identifiers: Orphanet 477774, MedGen C5567608, MONDO:0014728, OMIM 616672.

Allele frequency attached by ClinVar (database versions not stated): TOPMed 0.00001.
gnomAD v4.1: 2 of 1,587,562 alleles (0.00013%); highest among the groups gnomAD compares: African/African-American, 0.0027%; no homozygotes.

Submission:

Labcorp Genetics (formerly Invitae), Labcorp
Classification: Uncertain significance for Combined oxidative phosphorylation defect type 27. Last evaluated: 2022-03-29. Review status: criteria provided, single submitter. Criteria: Invitae Variant Classification Sherloc (09022015). Collection method: clinical testing. Allele origin: germline.
Comment: In summary, the available evidence is currently insufficient to determine the role of this variant in disease. Therefore, it has been classified as a Variant of Uncertain Significance. Algorithms developed to predict the effect of missense changes on protein structure and function are either unavailable or do not agree on the potential impact of this missense change (SIFT: "Deleterious"; PolyPhen-2: "Probably Damaging"; Align-GVGD: "Class C15"). This variant has not been reported in the literature in individuals affected with CARS2-related conditions. This variant is not present in population databases (gnomAD no frequency). This sequence change replaces cysteine, which is neutral and slightly polar, with tryptophan, which is neutral and slightly polar, at codon 257 of the CARS2 protein (p.Cys257Trp).

NM_024537.4(CARS2):c.771C>G (p.Cys257Trp)

Gene: CARS2 (cysteinyl-tRNA synthetase 2, mitochondrial; minus strand). Cytogenetic location: 13q34.
Variant type: single nucleotide variant.
Coding change: c.771C>G on transcript NM_024537.4 (MANE Select); coding-DNA position 771, C replaced by G.
Protein change: p.Cys257Trp; replaces cysteine 257 with tryptophan.
Molecular consequence: missense variant. On other transcripts: 5 prime UTR variant (1), non-coding transcript variant (2).
Genome position (GRCh38, 1-based): chr13:110,676,988, G>C on the plus strand (C>G on the coding strand, the complement: CARS2 is on the minus strand). VCF-style: chr13-110676988-G-C. GRCh37 (hg19) VCF-style: chr13-111329335-G-C.
Other names: c.-16C>G (NM_001352252.2); c.771C>G, p.Cys257Trp (NM_001352253.3); short protein forms C257W.
Identifiers: ClinVar variation 2161244 (VCV002161244.4), dbSNP rs1458887156, ClinGen allele CA388735093.
Genomic context (GRCh38, chr13:110,676,988, plus strand): 5'-CAGGGGAACTTGAGCCCCAACCCCCAGGAAGCGGCAGGCACCTTACCTAGCGATGGCAGA[G>C]CACTCGATGTGCCAGCCCGGCCTCCCGGGTCCCCAGGGAGAGGCCCAGAACACCTCCTGG-3'
Protein context (NP_078813.1, residues 247-267): GPGRPGWHIE[Cys257Trp]SAIASMVFGS